The following is an entry in ClinVar:

ClinVar aggregate classification (germline): Uncertain significance (1 of 4 stars; one submission).

Submission:

GeneDx
Classification: Uncertain significance. Last evaluated: 2014-05-16. Review status: criteria provided, single submitter. Criteria: GeneDx Variant Classification (06012015). Collection method: clinical testing. Allele origin: germline. Affected: yes.
Comment: c.157_159delGCCinsACG: p.Ala53Thr (A53T) in exon 1 of the EPM2A gene (NM_005670.3). The normal sequence with the bases that are deleted in braces followed by the inserted bases in brackets is: CCTG{GCC}[ACG] CTGC. The c.157_159delGCCinsACG variant has not been published as a mutation, nor has it been reported as a benign polymorphism to our knowledge. The c.157_159delGCCinsACG variant results in an in-frame deletion of a single Alanine residue and the insertion of a single Threonine residue, denoted p.A53T. A53T was not observed in approximately 2,900 individuals of European and African American ancestry in the NHLBI Exome Sequencing Project, indicating it is not a common benign variant in these populations. This variant is a nonconservative amino acid substitution, which is likely to impact secondary protein structure as these residues differ in polarity, charge, size and/or other properties. In silico analysis is inconsistent with regard to the effect this variant may have on the protein structure/function. Therefore, based on the currently available information, it is unclear whether this variant is a disease-causing mutation or a rare benign variant. The variant is found in EPILEPSY panel(s).

NM_005670.4(EPM2A):c.157_159delinsACG (p.Ala53Thr)

Genes: EPM2A (EPM2A glucan phosphatase, laforin; minus strand), EPM2A-DT (EPM2A divergent transcript; plus strand), LOC129997381 (ATAC-STARR-seq lymphoblastoid silent region 17642; plus strand). Cytogenetic location: 6q24.3.
Variant type: Indel.
Coding change: c.157_159delinsACG on transcript NM_005670.4 (MANE Select); coding-DNA positions 157 to 159, GCC replaced by ACG.
Protein change: p.Ala53Thr; replaces alanine 53 with threonine.
Molecular consequence: missense variant. On other transcripts: 5 prime UTR variant (3), intron variant (1).
Genome position (GRCh38, 1-based): chr6:145,735,340-145,735,342, GGC replaced by CGT on the plus strand (GCC replaced by ACG on the coding strand, the reverse complement: EPM2A is on the minus strand). VCF-style: chr6-145735340-GGC-CGT. GRCh37 (hg19) VCF-style: chr6-146056476-GGC-CGT.
Other names: c.157_159delinsACG, p.Ala53Thr (NM_001018041.2, NM_001360057.2, NM_001368130.1); c.-513_-511delinsACG (NM_001360071.2); c.-467_-465delinsACG (NM_001368129.2); c.-211_-209delinsACG (NM_001368131.1); c.-114+566_-114+568delinsACG (NM_001360064.2); short protein forms A53T.
Identifiers: ClinVar variation 205450 (VCV000205450.1), dbSNP rs796052439, ClinGen allele CA314531.